The following is an entry in ClinVar:

NM_001379081.2(FREM1):c.4170G>T (p.Met1390Ile)

Gene: FREM1 (FRAS1 related extracellular matrix 1; minus strand). Cytogenetic location: 9p22.3.
Variant type: single nucleotide variant.
Coding change: c.4170G>T on transcript NM_001379081.2 (MANE Select); coding-DNA position 4170, G replaced by T.
Protein change: p.Met1390Ile; replaces methionine 1390 with isoleucine.
Molecular consequence: missense variant. On other transcripts: non-coding transcript variant (1).
Genome position (GRCh38, 1-based): chr9:14,788,926, C>A on the plus strand (G>T on the coding strand, the complement: FREM1 is on the minus strand). VCF-style: chr9-14788926-C-A. GRCh37 (hg19) VCF-style: chr9-14788924-C-A.
Other names: c.4170G>T, p.Met1390Ile (NM_144966.7); c.4170G>T (NM_144966.5); short protein forms M1390I.
Identifiers: ClinVar variation 2711629 (VCV002711629.4), dbSNP rs370677506, ClinGen allele CA4990285.

ClinVar aggregate classification (germline): Uncertain significance. Review status: criteria provided, multiple submitters, no conflicts (2 of 4 stars). 3 submissions from 3 submitters: Uncertain significance (3). Last evaluated 2024-05-23.

Conditions:
BNAR syndrome. Also called: Bifid Nose With or Without Anorectal and Renal Anomalies (BNAR) Syndrome. Identifiers: Orphanet 217266, MedGen C2750433, MONDO:0012165, OMIM 608980.
Oculotrichoanal syndrome (MOTA). Also called: MARLES SYNDROME; Manitoba Oculotrichoanal (MOTA) Syndrome. Identifiers: Orphanet 2717, MedGen C1855425, MONDO:0009560, OMIM 248450.
Trigonocephaly 2 (TRIGNO2). Identifiers: Orphanet 3366, MedGen C3280974, MONDO:0013774, OMIM 614485.

Allele frequency attached by ClinVar (database versions not stated): ExAC 0.00015; gnomAD 0.00035; TOPMed 0.00035; ESP Exome Variant Server 0.00041; gnomAD exomes 0.00002.

Submissions (3):

Fulgent Genetics
Classification: Uncertain significance for Oculotrichoanal syndrome; BNAR syndrome; Trigonocephaly 2. Last evaluated: 2024-05-23. Review status: criteria provided, single submitter. Criteria: ACMG Guidelines, 2015. Collection method: clinical testing. Allele origin: germline.

Revvity Omics, Revvity
Classification: Uncertain significance. Last evaluated: 2023-11-07. Review status: criteria provided, single submitter. Criteria: ACMG Guidelines, 2015. Collection method: clinical testing. Allele origin: germline.

Labcorp Genetics (formerly Invitae), Labcorp
Classification: Uncertain significance. Last evaluated: 2023-03-03. Review status: criteria provided, single submitter. Criteria: Invitae Variant Classification Sherloc (09022015). Collection method: clinical testing. Allele origin: germline.
Comment: This sequence change replaces methionine, which is neutral and non-polar, with isoleucine, which is neutral and non-polar, at codon 1390 of the FREM1 protein (p.Met1390Ile). This variant is present in population databases (rs370677506, gnomAD 0.1%). This variant has not been reported in the literature in individuals affected with FREM1-related conditions. Algorithms developed to predict the effect of missense changes on protein structure and function output the following: SIFT: "Not Available"; PolyPhen-2: "Benign"; Align-GVGD: "Not Available". The isoleucine amino acid residue is found in multiple mammalian species, which suggests that this missense change does not adversely affect protein function. In summary, the available evidence is currently insufficient to determine the role of this variant in disease. Therefore, it has been classified as a Variant of Uncertain Significance.